The following is an entry in ClinVar:

NM_000051.4(ATM):c.4779A>G (p.Glu1593=)

Gene: ATM (ATM serine/threonine kinase; plus strand). Cytogenetic location: 11q22.3.
Variant type: single nucleotide variant.
Coding change: c.4779A>G on transcript NM_000051.4 (MANE Select); coding-DNA position 4779, A replaced by G.
Protein change: p.Glu1593=; no amino-acid change (glutamic acid 1593 retained).
Molecular consequence: synonymous variant.
Genome position (GRCh38, 1-based): chr11:108,294,929, A>G. VCF-style: chr11-108294929-A-G. GRCh37 (hg19) VCF-style: chr11-108165656-A-G.
Other names: c.4779A>G, p.Glu1593= (NM_001351834.2).
Identifiers: ClinVar variation 133621 (VCV000133621.22), dbSNP rs587778076, ClinGen allele CA157125.

ClinVar aggregate classification (germline): Conflicting classifications of pathogenicity. Review status: criteria provided, conflicting classifications (1 of 4 stars). 8 submissions from 8 submitters: Uncertain significance (2); Benign (1); Likely benign (4). 1 of the submissions does not count toward it. Last evaluated 2025-09-20.

Conditions:
Hereditary cancer-predisposing syndrome. Also called: Tumor predisposition; Hereditary neoplastic syndrome; Neoplastic Syndromes, Hereditary; Hereditary Cancer Syndrome. Identifiers: Orphanet 140162, MedGen C0027672, MeSH D009386, MONDO:0015356.
Familial cancer of breast. Also called: BREAST CANCER, FAMILIAL; Hereditary breast cancer; hereditary breast carcinoma. Identifiers: Orphanet 227535, MedGen C0346153, MONDO:0016419, OMIM 114480. Disease mechanism: loss of function.
Ataxia-telangiectasia syndrome (AT). Also called: ATAXIA-TELANGIECTASIA, COMPLEMENTATION GROUP A; ATAXIA-TELANGIECTASIA, FRESNO VARIANT; Ataxia-telangiectasia; LOUIS-BAR SYNDROME; Cerebello-oculocutaneous telangiectasia; Immunodeficiency with ataxia telangiectasia. Identifiers: Orphanet 100, MedGen C0004135, MONDO:0008840, OMIM 208900.

Allele frequency attached by ClinVar (database versions not stated): TOPMed below 0.00001; gnomAD exomes 0.00001 and 0.00002.
gnomAD v4.1: 34 of 1,613,726 alleles (0.0021%); highest among the groups gnomAD compares: Non-Finnish European, 0.0027%; no homozygotes.

Submissions (8):

Labcorp Genetics (formerly Invitae), Labcorp
Classification: Likely benign for Ataxia-telangiectasia syndrome. Last evaluated: 2025-09-20. Review status: criteria provided, single submitter. Criteria: Invitae Variant Classification Sherloc (09022015). Collection method: clinical testing. Allele origin: germline.

Myriad Genetics, Inc.
Classification: Benign for Familial cancer of breast. Last evaluated: 2024-05-21. Review status: criteria provided, single submitter. Criteria: Myriad Autosomal Dominant, Autosomal Recessive and X-Linked Classification Criteria (2023). Collection method: clinical testing. Allele origin: unknown.
Comment: This variant is considered benign. This variant is a silent/synonymous amino acid change and it is not expected to impact splicing.

Women's Health and Genetics/Laboratory Corporation of America, LabCorp
Classification: Uncertain significance. Last evaluated: 2024-03-25. Review status: criteria provided, single submitter. Criteria: LabCorp Variant Classification Summary - May 2015. Collection method: clinical testing. Allele origin: germline.

Quest Diagnostics Nichols Institute San Juan Capistrano
Classification: Uncertain significance. Last evaluated: 2018-12-03. Review status: criteria provided, single submitter. Criteria: Quest Diagnostics criteria. Collection method: clinical testing. Allele origin: unknown.
Comment: In the published literature, this variant has been reported in a cohort of unaffected individuals (PMID: 24728327 (2014)). The frequency of this variant in the general population, 0.000008 (2/251216 chromosomes (Genome Aggregation Database)), is uninformative in the assessment of its pathogenicity. Analysis of this variant using software algorithms for the prediction of the effect of nucleotide changes on splicing yielded predictions that this variant does not affect ATM mRNA splicing . Based on the available information, we are unable to determine the clinical significance of this variant.

GeneDx
Classification: Likely benign. Last evaluated: 2018-05-23. Review status: criteria provided, single submitter. Criteria: GeneDx Variant Classification (06012015). Collection method: clinical testing. Allele origin: germline. Affected: yes.
Comment: This variant is considered likely benign or benign based on one or more of the following criteria: it is a conservative change, it occurs at a poorly conserved position in the protein, it is predicted to be benign by multiple in silico algorithms, and/or has population frequency not consistent with disease.

Color Diagnostics, LLC DBA Color Health
Classification: Likely benign for Hereditary cancer-predisposing syndrome. Last evaluated: 2016-12-12. Review status: criteria provided, single submitter. Criteria: ACMG Guidelines, 2015. Collection method: clinical testing. Allele origin: germline.

Ambry Genetics
Classification: Likely benign for Hereditary cancer-predisposing syndrome. Last evaluated: 2014-07-02. Review status: criteria provided, single submitter. Criteria: Ambry Variant Classification Scheme 2023. Collection method: clinical testing. Allele origin: germline.

ITMI
No classification provided. Condition: AllHighlyPenetrant. Last evaluated: 2013-09-19. Review status: no classification provided. Collection method: reference population. Allele origin: germline. Not counted in ClinVar's aggregate classification.
Comment: Please see associated publication for description of ethnicities

Literature cited by the submitters: PubMed 24728327 (cited by Quest Diagnostics Nichols Institute San Juan Capistrano and ITMI).